The following is an entry in ClinVar:

ClinVar aggregate classification (germline): Likely pathogenic (1 of 4 stars; one submission).

Conditions:
Congenital diarrhea 5 with tufting enteropathy. Also called: INTESTINAL EPITHELIAL CELL DYSPLASIA; Congenital tufting enteropathy. Identifiers: Orphanet 92050, MedGen C2750737, MONDO:0013184, OMIM 613217.

gnomAD v4.1: 1 of 1,605,174 alleles (0.000062%); highest among the groups gnomAD compares: Non-Finnish European, 0.000085%; no homozygotes.

Submission:

Neuberg Centre For Genomic Medicine, NCGM
Classification: Likely pathogenic for Congenital diarrhea 5 with tufting enteropathy. Last evaluated: 2023-06-22. Review status: criteria provided, single submitter. Criteria: ACMG Guidelines, 2015. Collection method: clinical testing. Allele origin: germline. Inheritance: Autosomal recessive inheritance. Affected: yes.
Comment: The observed stop gained variant c.610C>T(p.Gln204Ter) in EPCAM gene has not been reported previously as a pathogenic variant nor as a benign variant, to our knowledge. The c.610C>T(p.Gln204Ter) variant is reported with 0.0004% allele frequency in gnomAD Exomes. Computational evidence (Mutation Taster - Disease causing) predicts damaging effect on protein structure and function for this variant. This variant is predicted to cause loss of normal protein function through protein truncation. Loss of function variants have been previously reported to be disease causing (Salomon J, et al., 2014). For these reasons, this variant has been classified as Likely Pathogenic.

NM_002354.3(EPCAM):c.610C>T (p.Gln204Ter)

Gene: EPCAM (epithelial cell adhesion molecule; plus strand). Cytogenetic location: 2p21.
Variant type: single nucleotide variant.
Coding change: c.610C>T on transcript NM_002354.3 (MANE Select); coding-DNA position 610, C replaced by T.
Protein change: p.Gln204Ter; replaces glutamine 204 with a stop codon.
Molecular consequence: nonsense.
Genome position (GRCh38, 1-based): chr2:47,379,007, C>T. VCF-style: chr2-47379007-C-T. GRCh37 (hg19) VCF-style: chr2-47606146-C-T.
Other names: short protein forms Q204*.
Identifiers: ClinVar variation 3377746 (VCV003377746.1).